The following is an entry in ClinVar:

NM_001031685.3(TP53BP2):c.1762G>A (p.Val588Ile)

Gene: TP53BP2 (tumor protein p53 binding protein 2; minus strand). Cytogenetic location: 1q41.
Variant type: single nucleotide variant.
Coding change: c.1762G>A on transcript NM_001031685.3 (MANE Select); coding-DNA position 1762, G replaced by A.
Protein change: p.Val588Ile; replaces valine 588 with isoleucine.
Molecular consequence: missense variant.
Genome position (GRCh38, 1-based): chr1:223,798,401, C>T on the plus strand (G>A on the coding strand, the complement: TP53BP2 is on the minus strand). VCF-style: chr1-223798401-C-T. GRCh37 (hg19) VCF-style: chr1-223986103-C-T.
Other names: c.1375G>A, p.Val459Ile (NM_005426.3); c.1762G>A (NM_001031685.2); short protein forms V459I, V588I.
Identifiers: ClinVar variation 2639921 (VCV002639921.25), dbSNP rs138105834, ClinGen allele CA38455463.
Genomic context (GRCh38, chr1:223,798,401, plus strand): 5'-GGGGTTTTCTGAAGGGTGGAAGTAAGGTGTCTTTGGAAGGCTGGGGAGTAAAGGGCCGGA[C>T]GGCAGCAGCAGGTGGACTTTCTTGCTTAGAACCTGGAGAAAGGGTCTGGTCTTGGCCAAC-3'
Protein context (NP_001026855.2, residues 578-598): SKQESPPAAA[Val588Ile]RPFTPQPSKD

ClinVar aggregate classification (germline): Conflicting classifications of pathogenicity. Review status: criteria provided, conflicting classifications (1 of 4 stars). 2 submissions from 2 submitters: Uncertain significance (1); Likely benign (1). Last evaluated 2025-08-05.

Allele frequency attached by ClinVar (database versions not stated): gnomAD 0.00004; TOPMed 0.00005; ESP Exome Variant Server 0.00008.
gnomAD v4.1: 38 of 1,614,020 alleles (0.0024%); highest among the groups gnomAD compares: African/African-American, 0.012%; no homozygotes.

Submissions (2):

Ambry Genetics
Classification: Uncertain significance. Last evaluated: 2025-08-05. Review status: criteria provided, single submitter. Criteria: Ambry Variant Classification Scheme 2023. Collection method: clinical testing. Allele origin: germline.

CeGaT Center for Human Genetics Tuebingen
Classification: Likely benign. Last evaluated: 2023-02-01. Review status: criteria provided, single submitter. Criteria: CeGaT Center For Human Genetics Tuebingen Variant Classification Criteria Version 2. Collection method: clinical testing. Allele origin: germline. Affected: yes. Observed: 1 variant allele.
Comment: TP53BP2: BP4